The following is an entry in ClinVar:

ClinVar aggregate classification (germline): Benign/Likely benign. Review status: criteria provided, multiple submitters, no conflicts (2 of 4 stars). 3 submissions from 3 submitters: Benign (1); Likely benign (2). Last evaluated 2025-02-05.

Conditions:
Hereditary cancer-predisposing syndrome. Also called: Neoplastic Syndromes, Hereditary; Tumor predisposition; Hereditary Cancer Syndrome; Hereditary neoplastic syndrome. Identifiers: Orphanet 140162, MedGen C0027672, MeSH D009386, MONDO:0015356.
POLD1-related polyposis and colorectal cancer syndrome (CRCS10). Also called: Colorectal cancer 10; COLORECTAL CANCER, SUSCEPTIBILITY TO, ON CHROMOSOME 19q; Colorectal cancer, susceptibility to, 10. Identifiers: Orphanet 220460, MedGen C2675481, MONDO:0012953, OMIM 612591.

Allele frequency attached by ClinVar (database versions not stated): gnomAD exomes below 0.00001; gnomAD 0.00001; ExAC 0.00005.
gnomAD v4.1: 2 of 1,551,982 alleles (0.00013%); highest among the groups gnomAD compares: Non-Finnish European, 0.00017%; no homozygotes.

Submissions (3):

Myriad Genetics, Inc.
Classification: Benign for POLD1-related polyposis and colorectal cancer syndrome. Last evaluated: 2025-02-05. Review status: criteria provided, single submitter. Criteria: Myriad Autosomal Dominant, Autosomal Recessive and X-Linked Classification Criteria (2023). Collection method: clinical testing. Allele origin: unknown.
Comment: This variant is considered benign. This variant is a silent/synonymous amino acid change and it is not expected to impact splicing.

Ambry Genetics
Classification: Likely benign for Hereditary cancer-predisposing syndrome. Last evaluated: 2024-04-24. Review status: criteria provided, single submitter. Criteria: Ambry Variant Classification Scheme 2023. Collection method: clinical testing. Allele origin: germline.

Labcorp Genetics (formerly Invitae), Labcorp
Classification: Likely benign for POLD1-related polyposis and colorectal cancer syndrome. Last evaluated: 2023-08-02. Review status: criteria provided, single submitter. Criteria: Invitae Variant Classification Sherloc (09022015). Collection method: clinical testing. Allele origin: germline.

NM_002691.4(POLD1):c.1132C>T (p.Leu378=)

Gene: POLD1 (DNA polymerase delta 1, catalytic subunit; plus strand). Cytogenetic location: 19q13.33.
Variant type: single nucleotide variant.
Coding change: c.1132C>T on transcript NM_002691.4 (MANE Select); coding-DNA position 1132, C replaced by T.
Protein change: p.Leu378=; no amino-acid change (leucine 378 retained).
Molecular consequence: synonymous variant. On other transcripts: non-coding transcript variant (1).
Genome position (GRCh38, 1-based): chr19:50,403,214, C>T. VCF-style: chr19-50403214-C-T. GRCh37 (hg19) VCF-style: chr19-50906471-C-T.
Other names: c.1132C>T (NM_002691.2); c.1132C>T, p.Leu378= (NM_001256849.1, NM_001308632.1).
Identifiers: ClinVar variation 2968340 (VCV002968340.5), dbSNP rs771705455, ClinGen allele CA9596026.
Genomic context (GRCh38, chr19:50,403,214, plus strand): 5'-CGGCCCTGTGCCCCCATCCTGGGTGCCAAGGTGCAGAGCTACGAGAAGGAGGAGGACCTG[C>T]TGCAGGTAGCTCTCGCTCCACGCCCCACACCATTTCCCGGGGTCCCCGCCAGCCTCCGCG-3'
Protein context (NP_002682.2, residues 368-388): VQSYEKEEDL[Leu378=]QAWSTFIRIM